The following is an entry in ClinVar:

ClinVar aggregate classification (germline): Uncertain significance. Review status: criteria provided, multiple submitters, no conflicts (2 of 4 stars). 2 submissions from 2 submitters: Uncertain significance (2). Last evaluated 2023-12-22.

Allele frequency attached by ClinVar (database versions not stated): ExAC below 0.00001; gnomAD exomes 0.00002 and 0.00008; gnomAD 0.00003; TOPMed 0.00005.
gnomAD v4.1: 113 of 1,607,038 alleles (0.007%); highest among the groups gnomAD compares: Non-Finnish European, 0.0091%; no homozygotes.

Submissions (2):

Blueprint Genetics
Classification: Uncertain significance. Last evaluated: 2023-12-22. Review status: criteria provided, single submitter. Criteria: ACMG Guidelines, 2015. Collection method: clinical testing. Allele origin: germline.

Labcorp Genetics (formerly Invitae), Labcorp
Classification: Uncertain significance. Last evaluated: 2023-11-27. Review status: criteria provided, single submitter. Criteria: Invitae Variant Classification Sherloc (09022015). Collection method: clinical testing. Allele origin: germline.
Comment: This sequence change replaces leucine, which is neutral and non-polar, with phenylalanine, which is neutral and non-polar, at codon 50 of the CEP78 protein (p.Leu50Phe). This variant is present in population databases (rs774692436, gnomAD 0.006%). This variant has not been reported in the literature in individuals affected with CEP78-related conditions. ClinVar contains an entry for this variant (Variation ID: 1022993). Advanced modeling of protein sequence and biophysical properties (such as structural, functional, and spatial information, amino acid conservation, physicochemical variation, residue mobility, and thermodynamic stability) performed at Invitae indicates that this missense variant is not expected to disrupt CEP78 protein function with a negative predictive value of 80%. In summary, the available evidence is currently insufficient to determine the role of this variant in disease. Therefore, it has been classified as a Variant of Uncertain Significance.

NM_001330691.3(CEP78):c.148C>T (p.Leu50Phe)

Gene: CEP78 (centrosomal protein 78; plus strand). Cytogenetic location: 9q21.2.
Variant type: single nucleotide variant.
Coding change: c.148C>T on transcript NM_001330691.3 (MANE Select); coding-DNA position 148, C replaced by T.
Protein change: p.Leu50Phe; replaces leucine 50 with phenylalanine.
Molecular consequence: missense variant.
Genome position (GRCh38, 1-based): chr9:78,236,498, C>T. VCF-style: chr9-78236498-C-T. GRCh37 (hg19) VCF-style: chr9-80851414-C-T.
Other names: c.148C>T, p.Leu50Phe (NM_001098802.3, NM_001330693.3, NM_001330694.2 and 4 more transcripts); short protein forms L50F.
Identifiers: ClinVar variation 1022993 (VCV001022993.7), dbSNP rs774692436, ClinGen allele CA5094822.